The following is an entry in ClinVar:

ClinVar aggregate classification (germline): Uncertain significance (1 of 4 stars; one submission).

Submission:

CeGaT Center for Human Genetics Tuebingen
Classification: Uncertain significance. Last evaluated: 2026-03-01. Review status: criteria provided, single submitter. Criteria: CeGaT Center For Human Genetics Tuebingen Variant Classification Criteria Version 2. Collection method: clinical testing. Allele origin: germline. Affected: yes. Observed: 1 variant allele.
Comment: CSTF2: PM2, PP3

NM_001325.3(CSTF2):c.1031+3A>C

Gene: CSTF2 (cleavage stimulation factor subunit 2; plus strand). Cytogenetic location: Xq22.1.
Variant type: single nucleotide variant.
Coding change: c.1031+3A>C on transcript NM_001325.3 (MANE Select); 3 bases into the intron after coding-DNA position 1031, A replaced by C.
Molecular consequence: intron variant.
Genome position (GRCh38, 1-based): chrX:100,831,659, A>C. VCF-style: chrX-100831659-A-C. GRCh37 (hg19) VCF-style: chrX-100086648-A-C.
Other names: c.1091+3A>C (NM_001306206.2); c.980+3A>C (NM_001306209.2).
Identifiers: ClinVar variation 4823630 (VCV004823630.4).